The following is an entry in ClinVar:

NM_016734.3(PAX5):c.989C>G (p.Pro330Arg)

Gene: PAX5 (paired box 5; minus strand). Cytogenetic location: 9p13.2.
Variant type: single nucleotide variant.
Coding change: c.989C>G on transcript NM_016734.3 (MANE Select); coding-DNA position 989, C replaced by G.
Protein change: p.Pro330Arg; replaces proline 330 with arginine.
Molecular consequence: missense variant. On other transcripts: non-coding transcript variant (2), intron variant (6).
Genome position (GRCh38, 1-based): chr9:36,882,027, G>C on the plus strand (C>G on the coding strand, the complement: PAX5 is on the minus strand). VCF-style: chr9-36882027-G-C. GRCh37 (hg19) VCF-style: chr9-36882024-G-C.
Other names: c.989C>G, p.Pro330Arg (NM_001280548.2); c.860C>G, p.Pro287Arg (NM_001280553.2, NM_001280554.2); c.665C>G, p.Pro222Arg (NM_001280556.2); c.586+41328C>G (NM_001280551.2); c.713-35098C>G (NM_001280555.2); c.781-41391C>G (NM_001280550.2); c.781-35098C>G (NM_001280549.2); c.910+41328C>G (NM_001280552.2); and 1 more; short protein forms P330R, P222R, P287R.
Identifiers: ClinVar variation 3928354 (VCV003928354.1).

ClinVar aggregate classification (germline): Uncertain significance (1 of 4 stars; one submission).

Conditions:
Inborn genetic diseases. Identifiers: MedGen C0950123, MeSH D030342.

Submission:

Ambry Genetics
Classification: Uncertain significance for Inborn genetic diseases. Last evaluated: 2025-06-07. Review status: criteria provided, single submitter. Criteria: Ambry Variant Classification Scheme 2023. Collection method: clinical testing. Allele origin: germline.
Comment: The p.P330R variant (also known as c.989C>G), located in coding exon 8 of the PAX5 gene, results from a C to G substitution at nucleotide position 989. The proline at codon 330 is replaced by arginine, an amino acid with dissimilar properties. This amino acid position is conserved. In addition, the in silico prediction for this alteration is inconclusive. Based on the available evidence, the clinical significance of this variant remains unclear.